The following is an entry in ClinVar:

ClinVar aggregate classification (germline): Uncertain significance (1 of 4 stars; one submission).

Allele frequency attached by ClinVar (database versions not stated): gnomAD exomes 0.00001.
gnomAD v4.1: 3 of 1,603,702 alleles (0.00019%); highest among the groups gnomAD compares: Non-Finnish European, 0.00025%; no homozygotes.

Submission:

Labcorp Genetics (formerly Invitae), Labcorp
Classification: Uncertain significance. Last evaluated: 2022-04-15. Review status: criteria provided, single submitter. Criteria: Invitae Variant Classification Sherloc (09022015). Collection method: clinical testing. Allele origin: germline.
Comment: In summary, the available evidence is currently insufficient to determine the role of this variant in disease. Therefore, it has been classified as a Variant of Uncertain Significance. Variants that disrupt the consensus splice site are a relatively common cause of aberrant splicing (PMID: 17576681, 9536098). Algorithms developed to predict the effect of sequence changes on RNA splicing suggest that this variant may disrupt the consensus splice site. This variant has not been reported in the literature in individuals affected with COL18A1-related conditions. This variant is not present in population databases (gnomAD no frequency). This sequence change falls in intron 5 of the COL18A1 gene. It does not directly change the encoded amino acid sequence of the COL18A1 protein. It affects a nucleotide within the consensus splice site.

Literature cited by the submitters: PubMed 17576681; PubMed 9536098.

NM_001379500.1(COL18A1):c.798+5G>A

Gene: COL18A1 (collagen type XVIII alpha 1 chain; plus strand). Cytogenetic location: 21q22.3.
Variant type: single nucleotide variant.
Coding change: c.798+5G>A on transcript NM_001379500.1 (MANE Select); 5 bases into the intron after coding-DNA position 798, G replaced by A.
Molecular consequence: intron variant.
Genome position (GRCh38, 1-based): chr21:45,475,540, G>A. VCF-style: chr21-45475540-G-A. GRCh37 (hg19) VCF-style: chr21-46895454-G-A.
Other names: c.2043+5G>A (NM_130444.3); c.1338+5G>A (NM_030582.4).
Identifiers: ClinVar variation 1953975 (VCV001953975.5), dbSNP rs2517592787, ClinGen allele CA2577625996.